The following is an entry in ClinVar:

ClinVar aggregate classification (germline): Likely benign (0 of 4 stars; one submission).

Conditions:
AGBL4-related disorder. Also called: AGBL4-related condition.

Allele frequency attached by ClinVar (database versions not stated): TOPMed 0.00006; gnomAD 0.00010; gnomAD exomes 0.00010; ExAC 0.00013; 1000 Genomes Project 30x 0.00016; 1000 Genomes Project 0.00020; ESP Exome Variant Server 0.00024.
gnomAD v4.1: 160 of 1,613,854 alleles (0.0099%); highest among the groups gnomAD compares: South Asian, 0.032%; no homozygotes.

Submission:

PreventionGenetics, part of Exact Sciences
Classification: Likely benign for AGBL4-related condition. Last evaluated: 2019-07-12. Review status: no assertion criteria provided. Collection method: clinical testing. Allele origin: germline.
Comment: This variant is classified as likely benign based on ACMG/AMP sequence variant interpretation guidelines (Richards et al. 2015 PMID: 25741868, with internal and published modifications).

NM_032785.4(AGBL4):c.696G>A (p.Gly232=)

Gene: AGBL4 (AGBL carboxypeptidase 4; minus strand). Cytogenetic location: 1p33.
Variant type: single nucleotide variant.
Coding change: c.696G>A on transcript NM_032785.4 (MANE Select); coding-DNA position 696, G replaced by A.
Protein change: p.Gly232=; no amino-acid change (glycine 232 retained).
Molecular consequence: synonymous variant. On other transcripts: non-coding transcript variant (1).
Genome position (GRCh38, 1-based): chr1:48,663,180, C>T on the plus strand (G>A on the coding strand, the complement: AGBL4 is on the minus strand). VCF-style: chr1-48663180-C-T. GRCh37 (hg19) VCF-style: chr1-49128852-C-T.
Other names: c.732G>A, p.Gly244= (NM_001323573.2, NM_001323574.2); c.696G>A, p.Gly232= (NM_001323575.2).
Identifiers: ClinVar variation 3044099 (VCV003044099.2), dbSNP rs373001734, ClinGen allele CA844846.